The following is an entry in ClinVar:

NM_000443.4(ABCB4):c.1070_1071del (p.Phe357fs)

Gene: ABCB4 (ATP binding cassette subfamily B member 4; minus strand). Cytogenetic location: 7q21.12.
Variant type: Deletion.
Coding change: c.1070_1071del on transcript NM_000443.4 (MANE Select); coding-DNA positions 1070 to 1071, 2 bases deleted (TT; older notation c.1070_1071delTT).
Protein change: p.Phe357fs; shifts the reading frame from phenylalanine 357.
Molecular consequence: frameshift variant.
Genome position (GRCh38, 1-based): chr7:87,444,910-87,444,911, AA deleted on the plus strand (TT on the coding strand, the reverse complement: ABCB4 is on the minus strand); deleting any 2 consecutive bases within chr7:87,444,910-87,444,913 gives the same sequence; the c. name uses the placement nearest the transcript's 3' end. VCF-style (leftmost placement, unchanged base first): chr7-87444909-CAA-C. GRCh37 (hg19) VCF-style: chr7-87074225-CAA-C.
Other names: c.1070_1071del, p.Phe357fs (NM_018849.3, NM_018850.3); short protein forms F357fs.
Identifiers: ClinVar variation 4846444 (VCV004846444.1).

ClinVar aggregate classification (germline): Pathogenic (1 of 4 stars; one submission).

Conditions:
Familial intrahepatic cholestasis. Identifiers: Orphanet 284385, MedGen CN296401, MONDO:0017290.

Submission:

Genomenon, Inc
Classification: Pathogenic for Familial intrahepatic cholestasis. Last evaluated: 2026-04-14. Review status: criteria provided, single submitter. Criteria: Genomenon Sequence Variant Interpretation Standards - Updated. Collection method: curation. Allele origin: germline. Affected: yes.
Comment: ABCB4 p.Phe357CysfsTer12 (c.1070_1071del) is a frameshift variant that results in the production of a truncated protein which is predicted to undergo nonsense-mediated mRNA decay. This variant has been observed in at least one proband with an ABCB4-related disorder (PMID:28733223). It is absent or not present at a significant frequency in gnomAD. In conclusion, we classify ABCB4 p.Phe357CysfsTer12 (c.1070_1071del) as a pathogenic variant.

Literature cited by the submitters: PubMed 28733223.